The following is an entry in ClinVar:

ClinVar aggregate classification (germline): Likely pathogenic (0 of 4 stars; one submission).

Conditions:
Androgen resistance syndrome (AIS). Also called: Androgen insensitivity syndrome due to coactivator deficiency; Androgen insensitivity; ANDROGEN RECEPTOR DEFICIENCY; DIHYDROTESTOSTERONE RECEPTOR DEFICIENCY; DHTR DEFICIENCY; TESTICULAR FEMINIZATION SYNDROME. Identifiers: Orphanet 754, Orphanet 99429, MedGen C0039585, MONDO:0019154, OMIM 300068. Disease mechanism: loss of function.

Submission:

Department of Obstetrics and Gynaecology, The Second Hospital of Hebei Medical University
Classification: Likely pathogenic for Androgen resistance syndrome. Last evaluated: 2021-03-25. Review status: no assertion criteria provided. Collection method: provider interpretation. Allele origin: germline. Inheritance: X-linked recessive inheritance. Affected: yes.
Comment: The insertion of GA occurred between the eighth and ninth GCC repeats and caused the frameshift mutation, resulting in the truncation of the AR protein and abolishing its function.

Literature cited by the submitters: DOI 10.3389/fgene.2022.1038997.

NM_000044.6(AR):c.1396_1397insAG (p.Gly466fs)

Gene: AR (androgen receptor; plus strand). Cytogenetic location: Xq12.
Variant type: Insertion.
Coding change: c.1396_1397insAG on transcript NM_000044.6 (MANE Select); coding-DNA positions 1396 to 1397, AG inserted.
Protein change: p.Gly466fs; shifts the reading frame from glycine 466.
Molecular consequence: frameshift variant. On other transcripts: 5 prime UTR variant (1).
Genome position: GRCh38 VCF-style: chrX-67546541-C-CGA. GRCh37 (hg19) VCF-style: chrX-66766383-C-CGA.
Other names: G465V; T479*; c.-388_-387insAG (NM_001011645.3); c.1396_1397insAG, p.Gly466fs (NM_001348061.1, NM_001348063.1, NM_001348064.1); short protein forms G466fs.
Identifiers: ClinVar variation 1727214 (VCV001727214.2), dbSNP rs2519610755, ClinGen allele CA2579630249.
Genomic context (GRCh38, chrX:67,546,541, plus strand): 5'-GTTGTATGGACCGTGTGGTGGTGGTGGGGGTGGTGGCGGCGGCGGCGGCGGCGGCGGCGG[C>CGA]GGCGGCGGCGGCGGCGGCGGCGGCGAGGCGGGAGCTGTAGCCCCCTACGGCTACACTCGG-3'